The following is an entry in ClinVar:

NM_194248.3(OTOF):c.1045+1G>T

Gene: OTOF (otoferlin; minus strand). Cytogenetic location: 2p23.3.
Variant type: single nucleotide variant.
Coding change: c.1045+1G>T on transcript NM_194248.3 (MANE Select); the canonical splice donor site of the intron after coding-DNA position 1045, G replaced by T.
Molecular consequence: splice donor variant.
Genome position (GRCh38, 1-based): chr2:26,489,210, C>A on the plus strand (G>T on the coding strand, the complement: OTOF is on the minus strand). VCF-style: chr2-26489210-C-A. GRCh37 (hg19) VCF-style: chr2-26712078-C-A.
Other names: c.1045+1G>T (NM_001287489.2).
Identifiers: ClinVar variation 2860612 (VCV002860612.3), dbSNP rs1390966485, ClinGen allele CA346138017.

ClinVar aggregate classification (germline): Pathogenic (1 of 4 stars; one submission).

Submission:

Labcorp Genetics (formerly Invitae), Labcorp
Classification: Pathogenic. Last evaluated: 2023-06-06. Review status: criteria provided, single submitter. Criteria: Invitae Variant Classification Sherloc (09022015). Collection method: clinical testing. Allele origin: germline.
Comment: This sequence change affects a donor splice site in intron 11 of the OTOF gene. It is expected to disrupt RNA splicing. Variants that disrupt the donor or acceptor splice site typically lead to a loss of protein function (PMID: 16199547), and loss-of-function variants in OTOF are known to be pathogenic (PMID: 18381613, 19250381, 22575033). This variant is not present in population databases (gnomAD no frequency). Disruption of this splice site has been observed in individual(s) with auditory neuropathy (Invitae). In at least one individual the data is consistent with being in trans (on the opposite chromosome) from a pathogenic variant. Algorithms developed to predict the effect of sequence changes on RNA splicing suggest that this variant may disrupt the consensus splice site. For these reasons, this variant has been classified as Pathogenic.

Literature cited by the submitters: PubMed 16199547; PubMed 18381613; PubMed 19250381; PubMed 22575033.